The following is an entry in ClinVar:

NM_001350120.2(SEMA3C):c.16+10A>T

Gene: SEMA3C (semaphorin 3C; minus strand). Cytogenetic location: 7q21.11.
Variant type: single nucleotide variant.
Coding change: c.16+10A>T on transcript NM_001350120.2; 10 bases into the intron after coding-DNA position 16, A replaced by T.
Molecular consequence: intron variant.
Genome position (GRCh38, 1-based): chr7:80,922,255, T>A on the plus strand (A>T on the coding strand, the complement: SEMA3C is on the minus strand). VCF-style: chr7-80922255-T-A. GRCh37 (hg19) VCF-style: chr7-80551571-T-A.
Identifiers: ClinVar variation 3356724 (VCV003356724.1).

ClinVar aggregate classification (germline): Likely benign (0 of 4 stars; one submission).

Conditions:
SEMA3C-related disorder. Also called: SEMA3C-related condition.

gnomAD v4.1: 3 of 1,288,286 alleles (0.00023%); highest among the groups gnomAD compares: Non-Finnish European, 0.0002%; no homozygotes.

Submission:

PreventionGenetics, part of Exact Sciences
Classification: Likely benign for SEMA3C-related condition. Last evaluated: 2024-01-02. Review status: no assertion criteria provided. Collection method: clinical testing. Allele origin: germline.
Comment: This variant is classified as likely benign based on ACMG/AMP sequence variant interpretation guidelines (Richards et al. 2015 PMID: 25741868, with internal and published modifications).